The following is an entry in ClinVar:

ClinVar aggregate classification (germline): Uncertain significance. Review status: criteria provided, multiple submitters, no conflicts (2 of 4 stars). 2 submissions from 2 submitters: Uncertain significance (2). Last evaluated 2026-07-06.

Conditions:
Familial cancer of breast. Also called: Hereditary breast cancer; BREAST CANCER, FAMILIAL; hereditary breast carcinoma. Identifiers: Orphanet 227535, MedGen C0346153, MONDO:0016419, OMIM 114480. Disease mechanism: loss of function.
Fanconi anemia complementation group J. Also called: BRIP1-Related Fanconi Anemia. Identifiers: Orphanet 84, MedGen C1836860, MONDO:0012187, OMIM 609054.
Hereditary cancer-predisposing syndrome. Also called: Tumor predisposition; Hereditary Cancer Syndrome; Hereditary neoplastic syndrome; Neoplastic Syndromes, Hereditary. Identifiers: Orphanet 140162, MedGen C0027672, MeSH D009386, MONDO:0015356.

Submissions (2):

Ambry Genetics
Classification: Uncertain significance for Hereditary cancer-predisposing syndrome. Last evaluated: 2026-07-06. Review status: criteria provided, single submitter. Criteria: Ambry Variant Classification Scheme 2023. Collection method: clinical testing. Allele origin: germline.
Comment: The p.Y371F variant (also known as c.1112A>T), located in coding exon 7 of the BRIP1 gene, results from an A to T substitution at nucleotide position 1112. The tyrosine at codon 371 is replaced by phenylalanine, an amino acid with highly similar properties. This amino acid position is conserved. In addition, the in silico prediction for this alteration is inconclusive. Based on the available evidence, the clinical significance of this variant remains unclear.

Labcorp Genetics (formerly Invitae), Labcorp
Classification: Uncertain significance for Familial cancer of breast; Fanconi anemia complementation group J. Last evaluated: 2022-01-03. Review status: criteria provided, single submitter. Criteria: Invitae Variant Classification Sherloc (09022015). Collection method: clinical testing. Allele origin: germline.
Comment: This sequence change replaces tyrosine, which is neutral and polar, with phenylalanine, which is neutral and non-polar, at codon 371 of the BRIP1 protein (p.Tyr371Phe). This variant is not present in population databases (gnomAD no frequency). This variant has not been reported in the literature in individuals affected with BRIP1-related conditions. Advanced modeling of protein sequence and biophysical properties (such as structural, functional, and spatial information, amino acid conservation, physicochemical variation, residue mobility, and thermodynamic stability) performed at Invitae indicates that this missense variant is expected to disrupt BRIP1 protein function. In summary, the available evidence is currently insufficient to determine the role of this variant in disease. Therefore, it has been classified as a Variant of Uncertain Significance.

NM_032043.3(BRIP1):c.1112A>T (p.Tyr371Phe)

Gene: BRIP1 (BRCA1 interacting DNA helicase 1; minus strand). Cytogenetic location: 17q23.2.
Variant type: single nucleotide variant.
Coding change: c.1112A>T on transcript NM_032043.3 (MANE Select); coding-DNA position 1112, A replaced by T.
Protein change: p.Tyr371Phe; replaces tyrosine 371 with phenylalanine.
Molecular consequence: missense variant.
Genome position (GRCh38, 1-based): chr17:61,801,281, T>A on the plus strand (A>T on the coding strand, the complement: BRIP1 is on the minus strand). VCF-style: chr17-61801281-T-A. GRCh37 (hg19) VCF-style: chr17-59878642-T-A.
Other names: short protein forms Y371F.
Identifiers: ClinVar variation 2073072 (VCV002073072.5), dbSNP rs1060501768, ClinGen allele CA400483905.